The following is an entry in ClinVar:

NM_005379.4(MYO1A):c.658C>T (p.Arg220Trp)

Gene: MYO1A (myosin IA; minus strand). Cytogenetic location: 12q13.3.
Variant type: single nucleotide variant.
Coding change: c.658C>T on transcript NM_005379.4 (MANE Select); coding-DNA position 658, C replaced by T.
Protein change: p.Arg220Trp; replaces arginine 220 with tryptophan.
Molecular consequence: missense variant.
Genome position (GRCh38, 1-based): chr12:57,044,192, G>A on the plus strand (C>T on the coding strand, the complement: MYO1A is on the minus strand). VCF-style: chr12-57044192-G-A. GRCh37 (hg19) VCF-style: chr12-57437976-G-A.
Other names: c.658C>T, p.Arg220Trp (NM_001256041.2); short protein forms R220W.
Identifiers: ClinVar variation 227661 (VCV000227661.8), dbSNP rs144009842, ClinGen allele CA6640356.
Genomic context (GRCh38, chr12:57,044,192, plus strand): 5'-CGTCCATGCCATCCACTCTGGATACTTCATGATTCAGATAGGCATAGCCAGTTGTATCCC[G>A]CTCAAGCTTCAGGGCCTCTGGGAGGGCCAGTGTTGGGGAAGATGGTTAGTACCCAGGCTC-3'
Protein context (NP_005370.1, residues 210-230): EQLLKALKLE[Arg220Trp]DTTGYAYLNH

ClinVar aggregate classification (germline): Conflicting classifications of pathogenicity. Review status: criteria provided, conflicting classifications (1 of 4 stars). 2 submissions from 2 submitters: Uncertain significance (1); Likely benign (1). Last evaluated 2017-07-25.

Allele frequency attached by ClinVar (database versions not stated): gnomAD exomes 0.00015; ESP Exome Variant Server 0.00023; gnomAD 0.00042 and 0.00047; TOPMed 0.00043; 1000 Genomes Project 30x 0.00078; 1000 Genomes Project 0.00100.
gnomAD v4.1: 312 of 1,613,954 alleles (0.019%); highest among the groups gnomAD compares: South Asian, 0.14%; 1 homozygote.

Submissions (2):

Eurofins Ntd Llc (ga)
Classification: Uncertain significance. Last evaluated: 2017-07-25. Review status: criteria provided, single submitter. Criteria: EGL Classification Definitions 2015. Collection method: clinical testing. Allele origin: germline. Observed: 1 variant allele, 1 heterozygote.

Laboratory for Molecular Medicine, Mass General Brigham Personalized Medicine
Classification: Likely benign. Last evaluated: 2015-05-12. Review status: criteria provided, single submitter. Criteria: LMM Criteria. Collection method: clinical testing. Allele origin: germline. Observed: 1 variant allele.
Comment: p.Arg220Trp in exon 9 of MYO1A: This variant is not expected to have clinical si gnificance for hearing loss because recent evidence has disqualified an associat ion between variants in the MYO1A gene and hearing loss (Eisenberger 2014). In addition, this variant has been identified in 0.2% (27/16200) of South Asian chr omosomes by the Exome Aggregation Consortium (ExAC, rg; dbSNP rs144009842).

Literature cited by the submitters: PubMed 24616153 (cited by Laboratory for Molecular Medicine, Mass General Brigham Personalized Medicine).